The following is an entry in ClinVar:

ClinVar aggregate classification (germline): Uncertain significance. Review status: criteria provided, multiple submitters, no conflicts (2 of 4 stars). 6 submissions from 6 submitters: Uncertain significance (3). 3 of the submissions do not count toward it. Last evaluated 2025-11-26.

Conditions:
Cardiomyopathy (CMYO). Also called: Cardiomyopathies. Identifiers: Orphanet 167848, MedGen C0878544, MONDO:0004994, HP:0001638. Inheritance: Various modes of inheritance.
Duchenne muscular dystrophy (DMD). Also called: MUSCULAR DYSTROPHY, PSEUDOHYPERTROPHIC PROGRESSIVE, DUCHENNE TYPE; Duchenne Muscular Dystrophy (DMD). Identifiers: Orphanet 98896, MedGen C0013264, MONDO:0010679, OMIM 310200.
Becker muscular dystrophy (BMD). Also called: MUSCULAR DYSTROPHY, PSEUDOHYPERTROPHIC PROGRESSIVE, BECKER TYPE; Becker Muscular Dystrophy (BMD). Identifiers: Orphanet 98895, MedGen C0917713, MONDO:0010311, OMIM 300376.
Dystrophin deficiency.
Cardiovascular phenotype. Identifiers: MedGen CN230736.

Allele frequency attached by ClinVar (database versions not stated): ExAC 0.00001; gnomAD exomes 0.00001; TOPMed 0.00001; gnomAD 0.00003.
gnomAD v4.1: 14 of 1,203,420 alleles (0.0012%); highest among the groups gnomAD compares: East Asian, 0.003%; no homozygotes.

Submissions (6):

Labcorp Genetics (formerly Invitae), Labcorp
Classification: Uncertain significance for Duchenne muscular dystrophy. Last evaluated: 2025-11-26. Review status: criteria provided, single submitter. Criteria: Invitae Variant Classification Sherloc (09022015). Collection method: clinical testing. Allele origin: germline.
Comment: This sequence change replaces tyrosine, which is neutral and polar, with histidine, which is basic and polar, at codon 3217 of the DMD protein (p.Tyr3217His). The frequency data for this variant in the population databases is considered unreliable, as metrics indicate poor data quality at this position in the gnomAD database. This variant has not been reported in the literature in individuals affected with DMD-related conditions. ClinVar contains an entry for this variant (Variation ID: 580971). An algorithm developed to predict the effect of missense changes on protein structure and function (PolyPhen-2) suggests that this variant is likely to be disruptive. In summary, the available evidence is currently insufficient to determine the role of this variant in disease. Therefore, it has been classified as a Variant of Uncertain Significance.

Ambry Genetics
Classification: Uncertain significance for Cardiovascular phenotype. Last evaluated: 2024-11-09. Review status: criteria provided, single submitter. Criteria: Ambry Variant Classification Scheme 2023. Collection method: clinical testing. Allele origin: germline.
Comment: The p.Y3217H variant (also known as c.9649T>C), located in coding exon 66 of the DMD gene, results from a T to C substitution at nucleotide position 9649. The amino acid change results in tyrosine to histidine at codon 3217, an amino acid with similar properties. Based on data from gnomAD, the C allele has an overall frequency of <0.01% (3/200144) total alleles studied, with 1 hemizygote(s) observed. The highest observed frequency was <0.01% (1/14659) of East Asian alleles. This amino acid position is well conserved in available vertebrate species. In addition, the in silico prediction for this alteration is inconclusive. Based on the available evidence, the clinical significance of this variant remains unclear.

Revvity Omics, Revvity
Classification: Uncertain significance. Last evaluated: 2020-06-15. Review status: criteria provided, single submitter. Criteria: ACMG Guidelines, 2015. Collection method: clinical testing. Allele origin: germline.

Natera, Inc.
Classification: Uncertain significance for Becker muscular dystrophy; Cardiomyopathy; Duchenne muscular dystrophy; Dystrophin deficiency. Last evaluated: 2019-01-18. Review status: no assertion criteria provided. Collection method: clinical testing. Allele origin: germline. Not counted in ClinVar's aggregate classification.

Clinical Genetics DNA and cytogenetics Diagnostics Lab, Erasmus MC, Erasmus Medical Center
Classification: Uncertain significance. Review status: no assertion criteria provided. Collection method: clinical testing. Allele origin: germline. Affected: yes. Study: VKGL Data-share Consensus. Not counted in ClinVar's aggregate classification.

Genome Diagnostics Laboratory, University Medical Center Utrecht
Classification: Uncertain significance. Review status: no assertion criteria provided. Collection method: clinical testing. Allele origin: germline. Affected: yes. Study: VKGL Data-share Consensus. Not counted in ClinVar's aggregate classification.

NM_004006.3(DMD):c.9649T>C (p.Tyr3217His)

Gene: DMD (dystrophin; minus strand). Cytogenetic location: Xp21.2.
Variant type: single nucleotide variant.
Coding change: c.9649T>C on transcript NM_004006.3 (MANE Select); coding-DNA position 9649, T replaced by C.
Protein change: p.Tyr3217His; replaces tyrosine 3217 with histidine.
Molecular consequence: missense variant.
Genome position (GRCh38, 1-based): chrX:31,206,582, A>G on the plus strand (T>C on the coding strand, the complement: DMD is on the minus strand). VCF-style: chrX-31206582-A-G. GRCh37 (hg19) VCF-style: chrX-31224699-A-G.
Other names: c.9625T>C, p.Tyr3209His (NM_000109.4); c.9637T>C, p.Tyr3213His (NM_004009.3); c.9280T>C, p.Tyr3094His (NM_004010.3); c.5626T>C, p.Tyr1876His (NM_004011.4); c.5617T>C, p.Tyr1873His (NM_004012.4); c.2269T>C, p.Tyr757His (NM_004013.3, NM_004020.4, NM_004021.3 and 2 more transcripts); c.1462T>C, p.Tyr488His (NM_004014.3); c.445T>C, p.Tyr149His (NM_004015.3, NM_004016.3, NM_004017.3 and 2 more transcripts); short protein forms Y3217H, Y488H, Y757H, Y149H, Y1876H, Y1873H, Y3094H, Y3209H.
Identifiers: ClinVar variation 580971 (VCV000580971.14), dbSNP rs766981643, ClinGen allele CA10377769.
Genomic context (GRCh38, chrX:31,206,582, plus strand): 5'-AGAACTAGGGTAATTAGCCAACATTAATAAAAGAATACAGCATTAATATACACGACTTAC[A>G]TCTGTACTTGTCTTCCAAATGTGCTTTACACAGGGAAATGATGCCAGTTTTAAAAGACAG-3'
Protein context (NP_003997.2, residues 3207-3227): CKAHLEDKYR[Tyr3217His]LFKQVASSTG